The following is an entry in ClinVar:

NM_032043.3(BRIP1):c.2492_2492+3del

Gene: BRIP1 (BRCA1 interacting DNA helicase 1; minus strand). Cytogenetic location: 17q23.2.
Variant type: Microsatellite.
Coding change: c.2492_2492+3del on transcript NM_032043.3 (MANE Select); coding-DNA position 2492 through 3 bases into the intron after coding-DNA position 2492, 4 bases deleted (GGTA; older notation c.2492_2492+3delGGTA).
Molecular consequence: splice donor variant.
Genome position (GRCh38, 1-based): chr17:61,715,948-61,715,951, TACC deleted on the plus strand (GGTA on the coding strand, the reverse complement: BRIP1 is on the minus strand); deleting any 4 consecutive bases within chr17:61,715,948-61,715,955 gives the same sequence; the c. name uses the placement nearest the transcript's 3' end. VCF-style (leftmost placement, unchanged base first): chr17-61715947-TTACC-T. GRCh37 (hg19) VCF-style: chr17-59793308-TTACC-T.
Other names: c.2492_2492+3delGGTA (NM_032043.2).
Identifiers: ClinVar variation 4294230 (VCV004294230.2).

ClinVar aggregate classification (germline): Likely pathogenic. Review status: criteria provided, multiple submitters, no conflicts (2 of 4 stars). 2 submissions from 2 submitters: Likely pathogenic (2). Last evaluated 2025-09-19.

Conditions:
Hereditary cancer-predisposing syndrome. Also called: Hereditary neoplastic syndrome; Tumor predisposition; Hereditary Cancer Syndrome; Neoplastic Syndromes, Hereditary. Identifiers: Orphanet 140162, MedGen C0027672, MeSH D009386, MONDO:0015356.
Familial cancer of breast. Also called: hereditary breast carcinoma; BREAST CANCER, FAMILIAL; Hereditary breast cancer. Identifiers: Orphanet 227535, MedGen C0346153, MONDO:0016419, OMIM 114480. Disease mechanism: loss of function.

Submissions (2):

Ambry Genetics
Classification: Likely pathogenic for Hereditary cancer-predisposing syndrome. Last evaluated: 2025-09-19. Review status: criteria provided, single submitter. Criteria: Ambry Variant Classification Scheme 2023. Collection method: clinical testing. Allele origin: germline.
Comment: The c.2492_2492+3delGGTA variant results from a deletion of 4 nucleotides between positions c.2492 and c.2492+3 and involves the canonical splice donor site after coding exon 16 of the BRIP1 gene. This variant is considered to be rare based on population cohorts in the Genome Aggregation Database (gnomAD). The canonical splice donor site is highly conserved in available vertebrate species. In silico splice site analysis predicts that this alteration will weaken the native splice donor site and will result in the creation or strengthening of a novel splice donor site; however, the exact impact of this deletion on splicing and function is currently unknown. Alterations that disrupt the canonical splice site are expected to cause aberrant splicing, resulting in an abnormal protein or a transcript that is subject to nonsense-mediated mRNA decay. As such, this alteration is classified as likely pathogenic.

Myriad Genetics, Inc.
Classification: Likely pathogenic for Familial cancer of breast. Last evaluated: 2025-07-15. Review status: criteria provided, single submitter. Criteria: Myriad Autosomal Dominant, Autosomal Recessive and X-Linked Classification Criteria (2023). Collection method: clinical testing. Allele origin: unknown.
Comment: This variant is considered likely pathogenic. This variant occurs within a consensus splice junction and is predicted to result in abnormal mRNA splicing of either an out-of-frame exon or an in-frame exon necessary for protein stability and/or normal function.